The following is an entry in ClinVar:

ClinVar aggregate classification (germline): Uncertain significance (1 of 4 stars; one submission).

Conditions:
Fanconi anemia (FA). Also called: Fanconi's anemia. Identifiers: Orphanet 84, MedGen C0015625, MeSH D005199, MONDO:0019391.

gnomAD v4.1: 10 of 1,613,352 alleles (0.00062%); highest among the groups gnomAD compares: South Asian, 0.0011%; no homozygotes.

Submission:

Labcorp Genetics (formerly Invitae), Labcorp
Classification: Uncertain significance for Fanconi anemia. Last evaluated: 2024-07-29. Review status: criteria provided, single submitter. Criteria: Invitae Variant Classification Sherloc (09022015). Collection method: clinical testing. Allele origin: germline.
Comment: This sequence change replaces glutamic acid, which is acidic and polar, with lysine, which is basic and polar, at codon 1733 of the SLX4 protein (p.Glu1733Lys). This variant is present in population databases (no rsID available, gnomAD 0.003%). This variant has not been reported in the literature in individuals affected with SLX4-related conditions. ClinVar contains an entry for this variant (Variation ID: 2042318). An algorithm developed to predict the effect of missense changes on protein structure and function (PolyPhen-2) suggests that this variant is likely to be tolerated. Algorithms developed to predict the effect of sequence changes on RNA splicing suggest that this variant may disrupt the consensus splice site. In summary, the available evidence is currently insufficient to determine the role of this variant in disease. Therefore, it has been classified as a Variant of Uncertain Significance.

NM_032444.4(SLX4):c.5197G>A (p.Glu1733Lys)

Gene: SLX4 (SLX4 structure-specific endonuclease subunit; minus strand). Cytogenetic location: 16p13.3.
Variant type: single nucleotide variant.
Coding change: c.5197G>A on transcript NM_032444.4 (MANE Select); coding-DNA position 5197, G replaced by A.
Protein change: p.Glu1733Lys; replaces glutamic acid 1733 with lysine.
Molecular consequence: missense variant.
Genome position (GRCh38, 1-based): chr16:3,582,650, C>T on the plus strand (G>A on the coding strand, the complement: SLX4 is on the minus strand). VCF-style: chr16-3582650-C-T. GRCh37 (hg19) VCF-style: chr16-3632651-C-T.
Other names: short protein forms E1733K.
Identifiers: ClinVar variation 2042318 (VCV002042318.4), dbSNP rs1380812226, ClinGen allele CA394513988.